The following is an entry in ClinVar:

NM_016239.4(MYO15A):c.2621G>A (p.Arg874His)

Gene: MYO15A (myosin XVA; plus strand). Cytogenetic location: 17p11.2.
Variant type: single nucleotide variant.
Coding change: c.2621G>A on transcript NM_016239.4 (MANE Select); coding-DNA position 2621, G replaced by A.
Protein change: p.Arg874His; replaces arginine 874 with histidine.
Molecular consequence: missense variant.
Genome position (GRCh38, 1-based): chr17:18,121,421, G>A. VCF-style: chr17-18121421-G-A. GRCh37 (hg19) VCF-style: chr17-18024735-G-A.
Other names: short protein forms R874H.
Identifiers: ClinVar variation 4766434 (VCV004766434.1).
Genomic context (GRCh38, chr17:18,121,421, plus strand): 5'-GCCACAGCCCGCGGCGCAGCTCCCTGAATCTGCCCTCGCGCCTCCCGCACACGTGGCGGC[G>A]CCTCAGCGAGCCACCCACTCGGGCTGTGAAGCCGCAAGTGCGCCTGCCCTTCCACCGACC-3'
Protein context (NP_057323.3, residues 864-884): LPSRLPHTWR[Arg874His]LSEPPTRAVK

ClinVar aggregate classification (germline): Uncertain significance (1 of 4 stars; one submission).

Submission:

Labcorp Genetics (formerly Invitae), Labcorp
Classification: Uncertain significance. Last evaluated: 2026-01-20. Review status: criteria provided, single submitter. Criteria: Invitae Variant Classification Sherloc (09022015). Collection method: clinical testing. Allele origin: germline.
Comment: This sequence change replaces arginine, which is basic and polar, with histidine, which is basic and polar, at codon 874 of the MYO15A protein (p.Arg874His). This variant is not present in population databases (gnomAD no frequency). This variant has not been reported in the literature in individuals affected with MYO15A-related conditions. Invitae Evidence Modeling of protein sequence and biophysical properties (such as structural, functional, and spatial information, amino acid conservation, physicochemical variation, residue mobility, and thermodynamic stability) indicates that this missense variant is not expected to disrupt MYO15A protein function with a negative predictive value of 95%. In summary, the available evidence is currently insufficient to determine the role of this variant in disease. Therefore, it has been classified as a Variant of Uncertain Significance.